The following is an entry in ClinVar:

NM_002292.4(LAMB2):c.2773C>T (p.Arg925Trp)

Gene: LAMB2 (laminin subunit beta 2; minus strand). Cytogenetic location: 3p21.31.
Variant type: single nucleotide variant.
Coding change: c.2773C>T on transcript NM_002292.4 (MANE Select); coding-DNA position 2773, C replaced by T.
Protein change: p.Arg925Trp; replaces arginine 925 with tryptophan.
Molecular consequence: missense variant.
Genome position (GRCh38, 1-based): chr3:49,125,117, G>A on the plus strand (C>T on the coding strand, the complement: LAMB2 is on the minus strand). VCF-style: chr3-49125117-G-A. GRCh37 (hg19) VCF-style: chr3-49162550-G-A.
Other names: short protein forms R925W.
Identifiers: ClinVar variation 1015755 (VCV001015755.5), dbSNP rs190191113, ClinGen allele CA2394210.

ClinVar aggregate classification (germline): Uncertain significance. Review status: criteria provided, multiple submitters, no conflicts (2 of 4 stars). 2 submissions from 2 submitters: Uncertain significance (2). Last evaluated 2022-07-05.

Conditions:
Pierson syndrome. Also called: MICROCORIA-CONGENITAL NEPHROTIC SYNDROME. Identifiers: Orphanet 2670, MedGen C1836876, MONDO:0012184, OMIM 609049.
LAMB2-related infantile-onset nephrotic syndrome. Also called: NEPHROTIC SYNDROME, TYPE 5, WITHOUT OCULAR ABNORMALITIES; NEPHROTIC SYNDROME, TYPE 5, WITH OCULAR ABNORMALITIES; Nephrotic Syndrome, type 5. Identifiers: Orphanet 306507, MedGen C3280113, MONDO:0013621, OMIM 614199.

Allele frequency attached by ClinVar (database versions not stated): gnomAD 0.00001 and 0.00002; ExAC 0.00002; gnomAD exomes 0.00002 and 0.00004; TOPMed 0.00002; 1000 Genomes Project 0.00020; 1000 Genomes Project 30x 0.00031.
gnomAD v4.1: 31 of 1,613,684 alleles (0.0019%); highest among the groups gnomAD compares: Admixed American, 0.018%; no homozygotes.

Submissions (2):

Labcorp Genetics (formerly Invitae), Labcorp
Classification: Uncertain significance for LAMB2-related infantile-onset nephrotic syndrome; Pierson syndrome. Last evaluated: 2022-07-05. Review status: criteria provided, single submitter. Criteria: Invitae Variant Classification Sherloc (09022015). Collection method: clinical testing. Allele origin: germline.
Comment: This sequence change replaces arginine, which is basic and polar, with tryptophan, which is neutral and slightly polar, at codon 925 of the LAMB2 protein (p.Arg925Trp). This variant is present in population databases (rs190191113, gnomAD 0.02%). This variant has not been reported in the literature in individuals affected with LAMB2-related conditions. ClinVar contains an entry for this variant (Variation ID: 1015755). Algorithms developed to predict the effect of missense changes on protein structure and function (SIFT, PolyPhen-2, Align-GVGD) all suggest that this variant is likely to be disruptive. In summary, the available evidence is currently insufficient to determine the role of this variant in disease. Therefore, it has been classified as a Variant of Uncertain Significance.

Fulgent Genetics
Classification: Uncertain significance for Pierson syndrome; LAMB2-related infantile-onset nephrotic syndrome. Last evaluated: 2021-10-14. Review status: criteria provided, single submitter. Criteria: ACMG Guidelines, 2015. Collection method: clinical testing. Allele origin: unknown.